The following is an entry in ClinVar:

NM_024675.4(PALB2):c.49-12T>C

Gene: PALB2 (partner and localizer of BRCA2; minus strand). Cytogenetic location: 16p12.2.
Variant type: single nucleotide variant.
Coding change: c.49-12T>C on transcript NM_024675.4 (MANE Select); 12 bases into the intron before coding-DNA position 49, T replaced by C.
Molecular consequence: intron variant.
Genome position (GRCh38, 1-based): chr16:23,638,141, A>G on the plus strand (T>C on the coding strand, the complement: PALB2 is on the minus strand). VCF-style: chr16-23638141-A-G. GRCh37 (hg19) VCF-style: chr16-23649462-A-G.
Other names: c.-837-12T>C (NM_001407308.1, NM_001407306.1, NM_001407307.1 and 5 more transcripts); c.48+2969T>C (NM_001407314.1); c.-105+2969T>C (NM_001407313.1, NM_001407312.1); c.49-189T>C (NM_001407296.1); c.49-12T>C (NM_001407297.1, NM_001407302.1, NM_001407298.1 and 3 more transcripts).
Identifiers: ClinVar variation 3903738 (VCV003903738.1).
Genomic context (GRCh38, chr16:23,638,141, plus strand): 5'-CTAGTGTCTTGCTGTATTCCCTTTTCAAGAATGCTAATTTCTCCTTTAACTGGAAGAAGA[A>G]AAACACCAACAATACTGGGCAAGTGGAAAGGTGGAGTCAGAGGGAAGGGATGCAGTGCTT-3'

ClinVar aggregate classification (germline): Likely benign (1 of 4 stars; one submission).

Conditions:
Familial cancer of breast. Also called: Hereditary breast cancer; hereditary breast carcinoma; BREAST CANCER, FAMILIAL. Identifiers: Orphanet 227535, MedGen C0346153, MONDO:0016419, OMIM 114480. Disease mechanism: loss of function.

Submission:

Myriad Genetics, Inc.
Classification: Likely benign for Familial cancer of breast. Last evaluated: 2025-01-09. Review status: criteria provided, single submitter. Criteria: Myriad Autosomal Dominant, Autosomal Recessive and X-Linked Classification Criteria (2023). Collection method: clinical testing. Allele origin: unknown.
Comment: This variant is considered likely benign. This variant is intronic and is not expected to impact mRNA splicing.